The following is an entry in ClinVar:

ClinVar aggregate classification (germline): Uncertain significance. Review status: criteria provided, multiple submitters, no conflicts (2 of 4 stars). 2 submissions from 2 submitters: Uncertain significance (2). Last evaluated 2021-12-13.

Conditions:
Epileptic encephalopathy. Identifiers: MedGen C0543888, HP:0200134.

Allele frequency attached by ClinVar (database versions not stated): TOPMed 0.00001; ExAC 0.00002; gnomAD 0.00002.
gnomAD v4.1: 18 of 1,612,690 alleles (0.0011%); highest among the groups gnomAD compares: Middle Eastern, 0.016%; no homozygotes.

Submissions (2):

Ambry Genetics
Classification: Uncertain significance. Last evaluated: 2021-12-13. Review status: criteria provided, single submitter. Criteria: Ambry Variant Classification Scheme 2023. Collection method: clinical testing. Allele origin: germline.

Labcorp Genetics (formerly Invitae), Labcorp
Classification: Uncertain significance for Epileptic encephalopathy. Last evaluated: 2021-09-01. Review status: criteria provided, single submitter. Criteria: Invitae Variant Classification Sherloc (09022015). Collection method: clinical testing. Allele origin: germline.
Comment: This sequence change replaces arginine with tryptophan at codon 676 of the FASN protein (p.Arg676Trp). The arginine residue is moderately conserved and there is a moderate physicochemical difference between arginine and tryptophan. This variant is present in population databases (rs759454700, ExAC 0.003%). This variant has not been reported in the literature in individuals affected with FASN-related conditions. Algorithms developed to predict the effect of missense changes on protein structure and function are either unavailable or do not agree on the potential impact of this missense change (SIFT: "Deleterious"; PolyPhen-2: "Probably Damaging"; Align-GVGD: "Class C0"). In summary, the available evidence is currently insufficient to determine the role of this variant in disease. Therefore, it has been classified as a Variant of Uncertain Significance.

NM_004104.5(FASN):c.2026C>T (p.Arg676Trp)

Gene: FASN (fatty acid synthase; minus strand). Cytogenetic location: 17q25.3.
Variant type: single nucleotide variant.
Coding change: c.2026C>T on transcript NM_004104.5 (MANE Select); coding-DNA position 2026, C replaced by T.
Protein change: p.Arg676Trp; replaces arginine 676 with tryptophan.
Molecular consequence: missense variant.
Genome position (GRCh38, 1-based): chr17:82,089,324, G>A on the plus strand (C>T on the coding strand, the complement: FASN is on the minus strand). VCF-style: chr17-82089324-G-A. GRCh37 (hg19) VCF-style: chr17-80047200-G-A.
Other names: short protein forms R676W.
Identifiers: ClinVar variation 462015 (VCV000462015.7), dbSNP rs759454700, ClinGen allele CA8852940.